The following is an entry in ClinVar:

NM_006214.4(PHYH):c.619G>A (p.Val207Ile)

Gene: PHYH (phytanoyl-CoA 2-hydroxylase; minus strand). Cytogenetic location: 10p13.
Variant type: single nucleotide variant.
Coding change: c.619G>A on transcript NM_006214.4 (MANE Select); coding-DNA position 619, G replaced by A.
Protein change: p.Val207Ile; replaces valine 207 with isoleucine.
Molecular consequence: missense variant. On other transcripts: intron variant (1).
Genome position (GRCh38, 1-based): chr10:13,288,419, C>T on the plus strand (G>A on the coding strand, the complement: PHYH is on the minus strand). VCF-style: chr10-13288419-C-T. GRCh37 (hg19) VCF-style: chr10-13330419-C-T.
Other names: c.319G>A, p.Val107Ile (NM_001037537.2, NM_001323080.2); c.625G>A, p.Val209Ile (NM_001323082.2); c.325G>A, p.Val109Ile (NM_001323084.2); c.415-4580G>A (NM_001323083.2); short protein forms V109I, V207I, V209I, V107I.
Identifiers: ClinVar variation 972212 (VCV000972212.10), dbSNP rs555663097, ClinGen allele CA5412298.

ClinVar aggregate classification (germline): Conflicting classifications of pathogenicity. Review status: criteria provided, conflicting classifications (1 of 4 stars). 2 submissions from 2 submitters: Uncertain significance (1); Likely benign (1). Last evaluated 2024-10-15.

Allele frequency attached by ClinVar (database versions not stated): gnomAD below 0.00001 and 0.00003; TOPMed 0.00001; gnomAD exomes 0.00003 and 0.00008; ExAC 0.00008; 1000 Genomes Project 30x 0.00016; 1000 Genomes Project 0.00020.
gnomAD v4.1: 50 of 1,614,172 alleles (0.0031%); highest among the groups gnomAD compares: South Asian, 0.053%; 1 homozygote.

Submissions (2):

Labcorp Genetics (formerly Invitae), Labcorp
Classification: Uncertain significance. Last evaluated: 2024-10-15. Review status: criteria provided, single submitter. Criteria: Invitae Variant Classification Sherloc (09022015). Collection method: clinical testing. Allele origin: germline.
Comment: This sequence change replaces valine, which is neutral and non-polar, with isoleucine, which is neutral and non-polar, at codon 207 of the PHYH protein (p.Val207Ile). This variant is present in population databases (rs555663097, gnomAD 0.06%). This variant has not been reported in the literature in individuals affected with PHYH-related conditions. ClinVar contains an entry for this variant (Variation ID: 972212). Invitae Evidence Modeling of protein sequence and biophysical properties (such as structural, functional, and spatial information, amino acid conservation, physicochemical variation, residue mobility, and thermodynamic stability) indicates that this missense variant is not expected to disrupt PHYH protein function with a negative predictive value of 80%. In summary, the available evidence is currently insufficient to determine the role of this variant in disease. Therefore, it has been classified as a Variant of Uncertain Significance.

Blueprint Genetics
Classification: Likely benign. Last evaluated: 2021-11-15. Review status: criteria provided, single submitter. Criteria: ACMG Guidelines, 2015. Collection method: clinical testing. Allele origin: germline.